The following is an entry in ClinVar:

ClinVar aggregate classification (germline): Likely benign. Review status: criteria provided, multiple submitters, no conflicts (2 of 4 stars). 2 submissions from 2 submitters: Likely benign (2). Last evaluated 2023-06-08.

Conditions:
Marfan syndrome (MFS). Also called: MARFAN SYNDROME, TYPE I; Marfan syndrome type 1; Marfan's syndrome; Marfan syndrome, classic; FBN1-Related Marfan Syndrome. Identifiers: Orphanet 284963, Orphanet 558, MedGen C0024796, MONDO:0007947, OMIM 154700.
Familial thoracic aortic aneurysm and aortic dissection (TAAD). Also called: Thoracic aortic aneurysms and dissections. Identifiers: Orphanet 91387, MedGen C4707243, MONDO:0019625.

Submissions (2):

All of Us Research Program, National Institutes of Health
Classification: Likely benign for Marfan syndrome. Last evaluated: 2023-06-08. Review status: criteria provided, single submitter. Criteria: ACMG Guidelines, 2015. Collection method: clinical testing. Allele origin: germline. Inheritance: Autosomal dominant inheritance. Observed: 1 variant allele, 1 heterozygote.
Comment: This study involves interpretation of variants in research participants for the purpose of population health screening. Participant phenotype was not available at the time of variant classification. Additional details can be found in publication PMID: 35346344, PMCID: PMC8962531

Color Diagnostics, LLC DBA Color Health
Classification: Likely benign for Familial thoracic aortic aneurysm and aortic dissection. Last evaluated: 2023-05-17. Review status: criteria provided, single submitter. Criteria: ACMG Guidelines, 2015. Collection method: clinical testing. Allele origin: germline.

NM_000138.5(FBN1):c.4545T>C (p.Pro1515=)

Gene: FBN1 (fibrillin 1; minus strand). Cytogenetic location: 15q21.1.
Variant type: single nucleotide variant.
Coding change: c.4545T>C on transcript NM_000138.5 (MANE Select); coding-DNA position 4545, T replaced by C.
Protein change: p.Pro1515=; no amino-acid change (proline 1515 retained).
Molecular consequence: synonymous variant.
Genome position (GRCh38, 1-based): chr15:48,468,449, A>G on the plus strand (T>C on the coding strand, the complement: FBN1 is on the minus strand). VCF-style: chr15-48468449-A-G. GRCh37 (hg19) VCF-style: chr15-48760646-A-G.
Other names: c.4545T>C, p.Pro1515= (NM_001406716.1).
Identifiers: ClinVar variation 3071485 (VCV003071485.2), dbSNP rs2505503071, ClinGen allele CA490027434.
Genomic context (GRCh38, chr15:48,468,449, plus strand): 5'-CTGAAAAGTTTTTAAGGTCTTACCAACACAGCCAACTCGAGTTGGGTTCAGTTCAAAATC[A>G]GGTGGGCAGTCACAGATATAGCTGCCTGGAGTGTTGACACAGTTCCCACTGATGCACGTG-3'
Protein context (NP_000129.3, residues 1505-1525): TPGSYICDCP[Pro1515=]DFELNPTRVG